The following is an entry in ClinVar:

NM_001005242.3(PKP2):c.1A>T (p.Met1Leu)

Gene: PKP2 (plakophilin 2; minus strand). Cytogenetic location: 12p11.21.
Variant type: single nucleotide variant.
Coding change: c.1A>T on transcript NM_001005242.3 (MANE Select); coding-DNA position 1, A replaced by T.
Protein change: p.Met1Leu; changes the start codon (methionine 1).
Molecular consequence: missense variant, initiator codon variant. On other transcripts: 5 prime UTR variant (4).
Genome position (GRCh38, 1-based): chr12:32,896,731, T>A on the plus strand (A>T on the coding strand, the complement: PKP2 is on the minus strand). VCF-style: chr12-32896731-T-A. GRCh37 (hg19) VCF-style: chr12-33049665-T-A.
Other names: c.1A>T, p.Met1Leu (NM_001407155.1, NM_001407156.1, NM_001407157.1 and 2 more transcripts); c.-826A>T (NM_001407158.1, NM_001407162.1); c.-590A>T (NM_001407159.1, NM_001407160.1); short protein forms M1L.
Identifiers: ClinVar variation 2735831 (VCV002735831.3), dbSNP rs794729107, ClinGen allele CA384371856.

ClinVar aggregate classification (germline): Likely pathogenic (1 of 4 stars; one submission).

Conditions:
Arrhythmogenic right ventricular dysplasia 9 (ARVD9). Also called: Arrhythmogenic Right Ventricular Dysplasia/Cardiomyopathy 9; ARRHYTHMOGENIC RIGHT VENTRICULAR DYSPLASIA, FAMILIAL, 9. Identifiers: MedGen C1836906, MONDO:0012180, OMIM 609040.

Submission:

Labcorp Genetics (formerly Invitae), Labcorp
Classification: Likely pathogenic for Arrhythmogenic right ventricular dysplasia 9. Last evaluated: 2025-01-23. Review status: criteria provided, single submitter. Criteria: Invitae Variant Classification Sherloc (09022015). Collection method: clinical testing. Allele origin: germline.
Comment: This sequence change affects the initiator methionine of the PKP2 mRNA. The next in-frame methionine is located at codon 110. This variant is not present in population databases (gnomAD no frequency). Disruption of the initiator codon has been observed in individual(s) with clinical features of arrhythmogenic cardiomyopathy (PMID: 24704780). ClinVar contains an entry for this variant (Variation ID: 2735831). Studies have shown that disruption of the initiator codon alters PKP2 gene expression (PMID: 24704780). This variant disrupts a region of the PKP2 protein in which other variant(s) (p.Ala65Ser) have been observed in individuals with PKP2-related conditions (PMID: 20400443). This suggests that this is a clinically significant region of the protein, and that variants that disrupt it are likely to be disease-causing. In summary, the currently available evidence indicates that the variant is pathogenic, but additional data are needed to prove that conclusively. Therefore, this variant has been classified as Likely Pathogenic.

Literature cited by the submitters: PubMed 24704780; PubMed 20400443.